The following is an entry in ClinVar:

NM_014795.4(ZEB2):c.1862T>C (p.Val621Ala)

Gene: ZEB2 (zinc finger E-box binding homeobox 2; minus strand). Cytogenetic location: 2q22.3.
Variant type: single nucleotide variant.
Coding change: c.1862T>C on transcript NM_014795.4 (MANE Select); coding-DNA position 1862, T replaced by C.
Protein change: p.Val621Ala; replaces valine 621 with alanine.
Molecular consequence: missense variant.
Genome position (GRCh38, 1-based): chr2:144,399,325, A>G on the plus strand (T>C on the coding strand, the complement: ZEB2 is on the minus strand). VCF-style: chr2-144399325-A-G. GRCh37 (hg19) VCF-style: chr2-145156892-A-G.
Other names: c.1790T>C, p.Val597Ala (NM_001171653.2); short protein forms V597A, V621A.
Identifiers: ClinVar variation 1334538 (VCV001334538.4), dbSNP rs2149877024, ClinGen allele CA348709950.

ClinVar aggregate classification (germline): Uncertain significance (1 of 4 stars; one submission).

Submission:

Greenwood Genetic Center Diagnostic Laboratories, Greenwood Genetic Center
Classification: Uncertain significance. Last evaluated: 2021-08-05. Review status: criteria provided, single submitter. Criteria: ACMG Guidelines, 2015. Collection method: clinical testing. Allele origin: germline. Affected: yes.
Comment: PP2, PM2